The following is an entry in ClinVar:

NM_005918.4(MDH2):c.359T>C (p.Ile120Thr)

Gene: MDH2 (malate dehydrogenase 2; plus strand). Cytogenetic location: 7q11.23.
Variant type: single nucleotide variant.
Coding change: c.359T>C on transcript NM_005918.4 (MANE Select); coding-DNA position 359, T replaced by C.
Protein change: p.Ile120Thr; replaces isoleucine 120 with threonine.
Molecular consequence: missense variant.
Genome position (GRCh38, 1-based): chr7:76,058,008, T>C. VCF-style: chr7-76058008-T-C. GRCh37 (hg19) VCF-style: chr7-75687326-T-C.
Other names: c.359T>C, p.Ile120Thr (NM_001282403.2); c.38T>C, p.Ile13Thr (NM_001282404.2); short protein forms I120T, I13T.
Identifiers: ClinVar variation 1398463 (VCV001398463.10), dbSNP rs1441060228, ClinGen allele CA367764220.

ClinVar aggregate classification (germline): Uncertain significance. Review status: criteria provided, multiple submitters, no conflicts (2 of 4 stars). 2 submissions from 2 submitters: Uncertain significance (2). Last evaluated 2025-09-15.

Conditions:
Inborn genetic diseases. Identifiers: MedGen C0950123, MeSH D030342.

Allele frequency attached by ClinVar (database versions not stated): gnomAD exomes below 0.00001 and 0.00001; gnomAD 0.00001; TOPMed 0.00001.

Submissions (2):

Labcorp Genetics (formerly Invitae), Labcorp
Classification: Uncertain significance. Last evaluated: 2025-09-15. Review status: criteria provided, single submitter. Criteria: Invitae Variant Classification Sherloc (09022015). Collection method: clinical testing. Allele origin: germline.
Comment: This sequence change replaces isoleucine, which is neutral and non-polar, with threonine, which is neutral and polar, at codon 120 of the MDH2 protein (p.Ile120Thr). This variant is present in population databases (no rsID available, gnomAD 0.002%). This variant has not been reported in the literature in individuals affected with MDH2-related conditions. ClinVar contains an entry for this variant (Variation ID: 1398463). Invitae Evidence Modeling of protein sequence and biophysical properties (such as structural, functional, and spatial information, amino acid conservation, physicochemical variation, residue mobility, and thermodynamic stability) indicates that this missense variant is not expected to disrupt MDH2 protein function with a negative predictive value of 80%. In summary, the available evidence is currently insufficient to determine the role of this variant in disease. Therefore, it has been classified as a Variant of Uncertain Significance.

Ambry Genetics
Classification: Uncertain significance for Inborn genetic diseases. Last evaluated: 2022-08-01. Review status: criteria provided, single submitter. Criteria: Ambry Variant Classification Scheme 2023. Collection method: clinical testing. Allele origin: germline.
Comment: The p.I120T variant (also known as c.359T>C), located in coding exon 4 of the MDH2 gene, results from a T to C substitution at nucleotide position 359. The isoleucine at codon 120 is replaced by threonine, an amino acid with similar properties. This amino acid position is conserved. In addition, this alteration is predicted to be deleterious by in silico analysis. Since supporting evidence is limited at this time, the clinical significance of this alteration remains unclear.